The following is an entry in ClinVar:

NM_002691.4(POLD1):c.1085C>T (p.Pro362Leu)

Gene: POLD1 (DNA polymerase delta 1, catalytic subunit; plus strand). Cytogenetic location: 19q13.33.
Variant type: single nucleotide variant.
Coding change: c.1085C>T on transcript NM_002691.4 (MANE Select); coding-DNA position 1085, C replaced by T.
Protein change: p.Pro362Leu; replaces proline 362 with leucine.
Molecular consequence: missense variant. On other transcripts: non-coding transcript variant (1).
Genome position (GRCh38, 1-based): chr19:50,403,167, C>T. VCF-style: chr19-50403167-C-T. GRCh37 (hg19) VCF-style: chr19-50906424-C-T.
Other names: c.1085C>T, p.Pro362Leu (NM_001256849.1, NM_001308632.1); short protein forms P362L.
Identifiers: ClinVar variation 822092 (VCV000822092.13), dbSNP rs1601204609, ClinGen allele CA406978296.

ClinVar aggregate classification (germline): Uncertain significance. Review status: criteria provided, multiple submitters, no conflicts (2 of 4 stars). 3 submissions from 3 submitters: Uncertain significance (3). Last evaluated 2025-12-22.

Conditions:
Hereditary cancer-predisposing syndrome. Also called: Hereditary Cancer Syndrome; Hereditary neoplastic syndrome; Neoplastic Syndromes, Hereditary; Tumor predisposition. Identifiers: Orphanet 140162, MedGen C0027672, MeSH D009386, MONDO:0015356.
POLD1-related polyposis and colorectal cancer syndrome (CRCS10). Also called: Colorectal cancer, susceptibility to, 10; Colorectal cancer 10; COLORECTAL CANCER, SUSCEPTIBILITY TO, ON CHROMOSOME 19q. Identifiers: Orphanet 220460, MedGen C2675481, MONDO:0012953, OMIM 612591.

Allele frequency attached by ClinVar (database versions not stated): gnomAD exomes 0.00001.
gnomAD v4.1: 9 of 1,562,132 alleles (0.00058%); highest among the groups gnomAD compares: Non-Finnish European, 0.00069%; no homozygotes.

Submissions (3):

Labcorp Genetics (formerly Invitae), Labcorp
Classification: Uncertain significance for POLD1-related polyposis and colorectal cancer syndrome. Last evaluated: 2025-12-22. Review status: criteria provided, single submitter. Criteria: Invitae Variant Classification Sherloc (09022015). Collection method: clinical testing. Allele origin: germline.
Comment: This sequence change replaces proline, which is neutral and non-polar, with leucine, which is neutral and non-polar, at codon 362 of the POLD1 protein (p.Pro362Leu). This variant is not present in population databases (gnomAD no frequency). This variant has not been reported in the literature in individuals affected with POLD1-related conditions. ClinVar contains an entry for this variant (Variation ID: 822092). Invitae Evidence Modeling of protein sequence and biophysical properties (such as structural, functional, and spatial information, amino acid conservation, physicochemical variation, residue mobility, and thermodynamic stability) indicates that this missense variant is not expected to disrupt POLD1 protein function with a negative predictive value of 80%. In summary, the available evidence is currently insufficient to determine the role of this variant in disease. Therefore, it has been classified as a Variant of Uncertain Significance.

Quest Diagnostics Nichols Institute San Juan Capistrano
Classification: Uncertain significance. Last evaluated: 2020-07-21. Review status: criteria provided, single submitter. Criteria: Quest Diagnostics criteria. Collection method: clinical testing. Allele origin: unknown.

Ambry Genetics
Classification: Uncertain significance for Hereditary cancer-predisposing syndrome. Last evaluated: 2019-02-04. Review status: criteria provided, single submitter. Criteria: Ambry Variant Classification Scheme 2023. Collection method: clinical testing. Allele origin: germline.
Comment: The p.P362L variant (also known as c.1085C>T), located in coding exon 8 of the POLD1 gene, results from a C to T substitution at nucleotide position 1085. The proline at codon 362 is replaced by leucine, an amino acid with similar properties. This amino acid position is not well conserved in available vertebrate species. In addition, this alteration is predicted to be tolerated by in silico analysis. Since supporting evidence is limited at this time, the clinical significance of this alteration remains unclear.